The following is an entry in ClinVar:

ClinVar aggregate classification (germline): Likely benign. Review status: criteria provided, multiple submitters, no conflicts (2 of 4 stars). 2 submissions from 2 submitters: Likely benign (2). Last evaluated 2024-12-03.

Conditions:
Hereditary intrinsic factor deficiency (IFD). Also called: Congenital intrinsic factor deficiency; PERNICIOUS ANEMIA, CONGENITAL, DUE TO DEFECT OF INTRINSIC FACTOR. Identifiers: Orphanet 332, MedGen C2062370, MONDO:0009852, OMIM 261000.

Allele frequency attached by ClinVar (database versions not stated): gnomAD exomes 0.00001; ExAC 0.00002; TOPMed 0.00003.
gnomAD v4.1: 12 of 1,612,582 alleles (0.00074%); highest among the groups gnomAD compares: Admixed American, 0.018%; no homozygotes.

Submissions (2):

Mayo Clinic Laboratories, Mayo Clinic
Classification: Likely benign. Last evaluated: 2024-12-03. Review status: criteria provided, single submitter. Criteria: ACMG Guidelines, 2015. Collection method: clinical testing. Allele origin: germline. Observed: 1 variant allele.
Comment: BP4, BP7

Labcorp Genetics (formerly Invitae), Labcorp
Classification: Likely benign for Hereditary intrinsic factor deficiency. Last evaluated: 2024-11-04. Review status: criteria provided, single submitter. Criteria: Invitae Variant Classification Sherloc (09022015). Collection method: clinical testing. Allele origin: germline.

NM_005142.3(CBLIF):c.51G>A (p.Gly17=)

Gene: CBLIF (cobalamin binding intrinsic factor; minus strand). Cytogenetic location: 11q12.1.
Variant type: single nucleotide variant.
Coding change: c.51G>A on transcript NM_005142.3 (MANE Select); coding-DNA position 51, G replaced by A.
Protein change: p.Gly17=; no amino-acid change (glycine 17 retained).
Molecular consequence: synonymous variant.
Genome position (GRCh38, 1-based): chr11:59,845,403, C>T on the plus strand (G>A on the coding strand, the complement: CBLIF is on the minus strand). VCF-style: chr11-59845403-C-T. GRCh37 (hg19) VCF-style: chr11-59612876-C-T.
Other names: p.Gly17=.
Identifiers: ClinVar variation 2044536 (VCV002044536.5), dbSNP rs772233552, ClinGen allele CA6021704.